The following is an entry in ClinVar:

NM_004974.4(KCNA2):c.1399A>G (p.Asn467Asp)

Gene: KCNA2 (potassium voltage-gated channel subfamily A member 2; minus strand). Cytogenetic location: 1p13.3.
Variant type: single nucleotide variant.
Coding change: c.1399A>G on transcript NM_004974.4 (MANE Select); coding-DNA position 1399, A replaced by G.
Protein change: p.Asn467Asp; replaces asparagine 467 with aspartic acid.
Molecular consequence: missense variant. On other transcripts: intron variant (1).
Genome position (GRCh38, 1-based): chr1:110,603,384, T>C on the plus strand (A>G on the coding strand, the complement: KCNA2 is on the minus strand). VCF-style: chr1-110603384-T-C. GRCh37 (hg19) VCF-style: chr1-111146006-T-C.
Other names: c.894+505A>G (NM_001204269.2); short protein forms N467D.
Identifiers: ClinVar variation 3730163 (VCV003730163.2).

ClinVar aggregate classification (germline): Uncertain significance (1 of 4 stars; one submission).

Conditions:
Developmental and epileptic encephalopathy, 32 (DEE32). Also called: Epileptic encephalopathy, early infantile, 32. Identifiers: Orphanet 442835, MedGen C4225350, MONDO:0014607, OMIM 616366.

gnomAD v4.1: 1 of 1,614,220 alleles (0.000062%); highest among the groups gnomAD compares: East Asian, 0.0022%; no homozygotes.

Submission:

Labcorp Genetics (formerly Invitae), Labcorp
Classification: Uncertain significance for Developmental and epileptic encephalopathy, 32. Last evaluated: 2024-05-21. Review status: criteria provided, single submitter. Criteria: Invitae Variant Classification Sherloc (09022015). Collection method: clinical testing. Allele origin: germline.
Comment: This sequence change replaces asparagine, which is neutral and polar, with aspartic acid, which is acidic and polar, at codon 467 of the KCNA2 protein (p.Asn467Asp). This variant is present in population databases (rs573371002, gnomAD 0.01%). This variant has not been reported in the literature in individuals affected with KCNA2-related conditions. Advanced modeling of protein sequence and biophysical properties (such as structural, functional, and spatial information, amino acid conservation, physicochemical variation, residue mobility, and thermodynamic stability) performed at Invitae indicates that this missense variant is not expected to disrupt KCNA2 protein function with a negative predictive value of 95%. In summary, the available evidence is currently insufficient to determine the role of this variant in disease. Therefore, it has been classified as a Variant of Uncertain Significance.